The following is an entry in ClinVar:

ClinVar aggregate classification (germline): Uncertain significance (1 of 4 stars; one submission).

Submission:

Ambry Genetics
Classification: Uncertain significance. Last evaluated: 2025-02-21. Review status: criteria provided, single submitter. Criteria: Ambry Variant Classification Scheme 2023. Collection method: clinical testing. Allele origin: germline.
Comment: The p.R511S variant (also known as c.1533G>C), located in coding exon 8 of the ATRIP gene, results from a G to C substitution at nucleotide position 1533. The arginine at codon 511 is replaced by serine, an amino acid with dissimilar properties. This amino acid position is conserved. In addition, this alteration is predicted to be tolerated by in silico analysis. Based on the available evidence, the clinical significance of this variant remains unclear.

NM_130384.3(ATRIP):c.1533G>C (p.Arg511Ser)

Genes: ATRIP (ATR interacting protein; plus strand), ATRIP-TREX1 (ATRIP-TREX1 readthrough; plus strand). Cytogenetic location: 3p21.31.
Variant type: single nucleotide variant.
Coding change: c.1533G>C on transcript NM_130384.3 (MANE Select); coding-DNA position 1533, G replaced by C.
Protein change: p.Arg511Ser; replaces arginine 511 with serine.
Molecular consequence: missense variant. On other transcripts: non-coding transcript variant (1).
Genome position (GRCh38, 1-based): chr3:48,460,587, G>C. VCF-style: chr3-48460587-G-C. GRCh37 (hg19) VCF-style: chr3-48501986-G-C.
Other names: c.1152G>C, p.Arg384Ser (NM_001271022.2); c.1254G>C, p.Arg418Ser (NM_001271023.2); c.1533G>C, p.Arg511Ser (NM_032166.4); short protein forms R418S, R384S, R511S.
Identifiers: ClinVar variation 3810955 (VCV003810955.1).